The following is an entry in ClinVar:

NM_020975.6(RET):c.828C>T (p.Val276=)

Gene: RET (ret proto-oncogene; plus strand). Cytogenetic location: 10q11.21.
Variant type: single nucleotide variant.
Coding change: c.828C>T on transcript NM_020975.6 (MANE Select); coding-DNA position 828, C replaced by T.
Protein change: p.Val276=; no amino-acid change (valine 276 retained).
Molecular consequence: synonymous variant. On other transcripts: intron variant (22).
Genome position (GRCh38, 1-based): chr10:43,105,154, C>T. VCF-style: chr10-43105154-C-T. GRCh37 (hg19) VCF-style: chr10-43600602-C-T.
Other names: c.828C>T, p.Val276= (NM_000323.2, NM_001406743.1, NM_001406744.1 and 8 more transcripts); c.66C>T, p.Val22= (NM_001355216.2); c.699C>T, p.Val233= (NM_001406761.1, NM_001406762.1, NM_001406764.1 and 2 more transcripts); c.540C>T, p.Val180= (NM_001406766.1, NM_001406767.1, NM_001406770.1); c.625+2525C>T (NM_001406773.1, NM_001406771.1, NM_001406782.1 and 5 more transcripts); c.496+2525C>T (NM_001406786.1, NM_001406783.1); c.338-3877C>T (NM_001406778.1, NM_001406775.1, NM_001406776.1 and 1 more transcripts); c.337+4432C>T (NM_001406790.1, NM_001406788.1, NM_001406789.1 and 1 more transcripts); and 2 more.
Identifiers: ClinVar variation 1543398 (VCV001543398.12), dbSNP rs876660380, ClinGen allele CA469022696.

ClinVar aggregate classification (germline): Likely benign. Review status: criteria provided, multiple submitters, no conflicts (2 of 4 stars). 3 submissions from 3 submitters: Likely benign (3). Last evaluated 2024-10-22.

Conditions:
Multiple endocrine neoplasia, type 2 (MEN2). Identifiers: Orphanet 653, MedGen C4048306, MONDO:0019003. Disease mechanism: gain of function.
Hereditary cancer-predisposing syndrome. Also called: Hereditary neoplastic syndrome; Tumor predisposition; Neoplastic Syndromes, Hereditary; Hereditary Cancer Syndrome. Identifiers: Orphanet 140162, MedGen C0027672, MeSH D009386, MONDO:0015356.

Allele frequency attached by ClinVar (database versions not stated): gnomAD exomes below 0.00001; gnomAD 0.00001.
gnomAD v4.1: 3 of 1,612,636 alleles (0.00019%); highest among the groups gnomAD compares: Non-Finnish European, 0.00017%; no homozygotes.

Submissions (3):

Labcorp Genetics (formerly Invitae), Labcorp
Classification: Likely benign for Multiple endocrine neoplasia, type 2. Last evaluated: 2024-10-22. Review status: criteria provided, single submitter. Criteria: Invitae Variant Classification Sherloc (09022015). Collection method: clinical testing. Allele origin: germline.

All of Us Research Program, National Institutes of Health
Classification: Likely benign for Multiple endocrine neoplasia, type 2. Last evaluated: 2024-02-05. Review status: criteria provided, single submitter. Criteria: ACMG Guidelines, 2015. Collection method: clinical testing. Allele origin: germline. Inheritance: Autosomal dominant inheritance. Observed: 2 variant alleles, 2 heterozygotes.
Comment: This variant is located in the RET protein. To our knowledge, functional studies have not been reported for this variant. This variant has not been reported in individuals affected with RET-related disorders in the literature. This variant has been identified in 1/245824 chromosomes in the general population by the Genome Aggregation Database (gnomAD). The available evidence is insufficient to determine the role of this variant in disease conclusively. Therefore, this variant is classified as a Variant of Uncertain Significance.

This study involves interpretation of variants in research participants for the purpose of population health screening. Participant phenotype was not available at the time of variant classification. Additional details can be found in publication PMID: 35346344, PMCID: PMC8962531

Ambry Genetics
Classification: Likely benign for Hereditary cancer-predisposing syndrome. Last evaluated: 2020-03-05. Review status: criteria provided, single submitter. Criteria: Ambry Variant Classification Scheme 2023. Collection method: clinical testing. Allele origin: germline.